The following is an entry in ClinVar:

NM_000147.5(FUCA1):c.810del (p.Cys271fs)

Gene: FUCA1 (alpha-L-fucosidase 1; minus strand). Cytogenetic location: 1p36.11.
Variant type: Deletion.
Coding change: c.810del on transcript NM_000147.5 (MANE Select); coding-DNA position 810, one base deleted (C; older notation c.810delC).
Protein change: p.Cys271fs; shifts the reading frame from cysteine 271.
Molecular consequence: frameshift variant.
Genome position (GRCh38, 1-based): chr1:23,854,519, G deleted on the plus strand (C on the coding strand, the reverse complement: FUCA1 is on the minus strand); the first of 2 consecutive G bases (chr1:23,854,519-23,854,520); deleting either gives the same sequence. VCF-style (leftmost placement, unchanged base first): chr1-23854518-AG-A. GRCh37 (hg19) VCF-style: chr1-24181008-AG-A.
Other names: c.810delC (NM_000147.4); short protein forms C271fs.
Identifiers: ClinVar variation 633222 (VCV000633222.5), dbSNP rs1557510081, ClinGen allele CA913189296.

ClinVar aggregate classification (germline): Pathogenic. Review status: criteria provided, multiple submitters, no conflicts (2 of 4 stars). 3 submissions from 3 submitters: Pathogenic (2). 1 of the submissions does not count toward it. Last evaluated 2023-01-31.

Conditions:
Fucosidosis. Also called: ALPHA-L-FUCOSIDASE DEFICIENCY. Identifiers: Orphanet 349, MedGen C0016788, MONDO:0009254, OMIM 230000.

Submissions (3):

Labcorp Genetics (formerly Invitae), Labcorp
Classification: Pathogenic for Fucosidosis. Last evaluated: 2023-01-31. Review status: criteria provided, single submitter. Criteria: Invitae Variant Classification Sherloc (09022015). Collection method: clinical testing. Allele origin: germline.
Comment: This sequence change creates a premature translational stop signal (p.Cys271Valfs*59) in the FUCA1 gene. It is expected to result in an absent or disrupted protein product. Loss-of-function variants in FUCA1 are known to be pathogenic (PMID: 10094192). This variant is not present in population databases (gnomAD no frequency). This variant has not been reported in the literature in individuals affected with FUCA1-related conditions. ClinVar contains an entry for this variant (Variation ID: 633222). For these reasons, this variant has been classified as Pathogenic.

Women's Health and Genetics/Laboratory Corporation of America, LabCorp
Classification: Pathogenic for Fucosidosis. Last evaluated: 2018-05-21. Review status: criteria provided, single submitter. Criteria: LabCorp Variant Classification Summary - May 2015. Collection method: clinical testing. Allele origin: germline.
Comment: Variant summary: FUCA1 c.810delC (p.Cys271ValfsX59) results in a premature termination codon, predicted to cause a truncation of the encoded protein or absence of the protein due to nonsense mediated decay, which are commonly known mechanisms for disease. Truncations downstream of this position have been classified as pathogenic by our laboratory (eg. c.1138G>T (p.Glu380*) and c.1279C>T (p.Gln427*)). The variant was absent in 121406 control chromosomes. c.810delC has been reported in the literature in individuals affected with Fucosidosis. These data indicate that the variant may be associated with disease. At least one publication reports experimental evidence evaluating an impact on protein function. The most pronounced variant effect results in <10% of normal activity. No clinical diagnostic laboratories have submitted clinical-significance assessments for this variant to ClinVar after 2014. Based on the evidence outlined above, the variant was classified as pathogenic.

OMIM
Classification: Pathogenic for FUCOSIDOSIS. Last evaluated: 1993-08-01. Review status: no assertion criteria provided. Collection method: literature only. Allele origin: germline. Not counted in ClinVar's aggregate classification.

Literature cited by the submitters: PubMed 10094192 (cited by Labcorp Genetics (formerly Invitae), Labcorp); PubMed 8401503 (cited by Women's Health and Genetics/Laboratory Corporation of America, LabCorp and OMIM).